The following is an entry in ClinVar:

NC_012920.1(MT-ND5):m.13874T>C

Gene: MT-ND5 (mitochondrially encoded NADH dehydrogenase 5; plus strand).
Variant type: single nucleotide variant.
Genome position: chrM-13874-T-C.
Identifiers: ClinVar variation 693622 (VCV000693622.1), dbSNP rs1603224392, ClinGen allele CA414819897.

ClinVar aggregate classification (germline): Benign (1 of 4 stars; one submission).

Conditions:
Leigh syndrome (NULS). Also called: Leigh's necrotizing encephalopathy; Leigh's disease; Leigh's syndrome; LEIGH SYNDROME, NUCLEAR; Leigh Syndrome (mtDNA deletion); Leigh Disease. Identifiers: Orphanet 506, MedGen C2931891, MONDO:0009723, OMIM 256000.

Submission:

Wong Mito Lab, Molecular and Human Genetics, Baylor College of Medicine
Classification: Benign for Leigh syndrome. Last evaluated: 2019-10-17. Review status: criteria provided, single submitter. Criteria: Modified ACMG Guidelines (Unpublished). Collection method: clinical testing. Allele origin: germline.
Comment: The NC_012920.1:m.13874T>C (YP_003024036.1:p.Met513Thr) variant in MTND5 gene is interpretated to be a Benign variant based on the modified ACMG guidelines (unpublished). This variant meets the following evidence codes: BS1, BS2, BP4